The following is an entry in ClinVar:

ClinVar aggregate classification (germline): Likely benign. Review status: reviewed by expert panel (3 of 4 stars). 2 submissions from 2 submitters: Likely benign (1). 1 of the submissions does not count toward it. Last evaluated 2022-07-05.

Conditions:
Hereditary thrombocytopenia and hematologic cancer predisposition syndrome. Identifiers: Orphanet 71290, MedGen CN281654, MONDO:0011071.
Hereditary thrombocytopenia and hematological cancer predisposition syndrome associated with RUNX1. Also called: PLATELET DISORDER, ASPIRIN-LIKE; RUNX1 Familial Platelet Disorder with Associated Myeloid Malignancies; Familial Platelet Disorder with Propensity to Acute Myelogenous Leukemia; Familial thrombocytopenia with propensity to acute myelogenous leukemia. Identifiers: Orphanet 71290, MedGen C1832388, MeSH C563324, MONDO:0100083, OMIM 601399.

Allele frequency attached by ClinVar (database versions not stated): gnomAD exomes 0.00008 and 0.00018; 1000 Genomes Project 30x 0.00016; gnomAD 0.00017 and 0.00018; TOPMed 0.00020.
gnomAD v4.1: 127 of 705,466 alleles (0.018%); highest among the groups gnomAD compares: East Asian, 0.032%; no homozygotes.

Submissions (2):

ClinGen Myeloid Malignancy Variant Curation Expert Panel
Classification: Likely benign for Hereditary thrombocytopenia and hematologic cancer predisposition syndrome. Last evaluated: 2022-07-05. Review status: reviewed by expert panel. Criteria: ClinGen MyeloMalig ACMG Specifications v2. Collection method: curation. Allele origin: germline. Inheritance: Autosomal dominant inheritance.
Comment: The c.*107G>A (NM_001754.5) variant is a substitution in the 3'UTR of RUNX1. Because the variant is located in the 3'UTR, it is not expected to alter the amino acid sequence. The highest population minor allele frequency in gnomAD v3 is 0.01631% (11/67438 alleles) in the non-Finnish European population, which is higher than the ClinGen Myeloid Malignancy VCEP's threshold of 0.015% (BS1). In summary, this variant meets the criteria to be classified as likely benign for hereditary thrombocytopenia and hematologic cancer predisposition syndrome based on the ACMG/AMP criteria applied, as specified by the ClinGen Myeloid Malignancy VCEP: BS1

Illumina Laboratory Services, Illumina
Classification: Uncertain significance for Hereditary thrombocytopenia and hematological cancer predisposition syndrome associated with RUNX1. Last evaluated: 2018-01-12. Review status: criteria provided, single submitter. Criteria: ICSL Variant Classification Criteria 13 December 2019. Collection method: clinical testing. Allele origin: germline. Not counted in ClinVar's aggregate classification.

NM_001754.5(RUNX1):c.*107G>A

Gene: RUNX1 (RUNX family transcription factor 1; minus strand). Cytogenetic location: 21q22.12.
Variant type: single nucleotide variant.
Coding change: c.*107G>A on transcript NM_001754.5 (MANE Select); 107 bases downstream of the stop codon, G replaced by A.
Molecular consequence: 3 prime UTR variant.
Genome position (GRCh38, 1-based): chr21:34,792,028, C>T on the plus strand (G>A on the coding strand, the complement: RUNX1 is on the minus strand). VCF-style: chr21-34792028-C-T. GRCh37 (hg19) VCF-style: chr21-36164325-C-T.
Other names: c.*107G>A (NM_001001890.3).
Identifiers: ClinVar variation 339870 (VCV000339870.6), dbSNP rs886057045, ClinGen allele CA10653574.